The following is an entry in ClinVar:

ClinVar aggregate classification (germline): Uncertain significance (1 of 4 stars; one submission).

Allele frequency attached by ClinVar (database versions not stated): ExAC 0.00001; gnomAD exomes 0.00001.
gnomAD v4.1: 5 of 1,612,078 alleles (0.00031%); highest among the groups gnomAD compares: Non-Finnish European, 0.00034%; no homozygotes.

Submission:

Labcorp Genetics (formerly Invitae), Labcorp
Classification: Uncertain significance. Last evaluated: 2024-11-05. Review status: criteria provided, single submitter. Criteria: Invitae Variant Classification Sherloc (09022015). Collection method: clinical testing. Allele origin: germline.
Comment: This sequence change affects codon 183 of the SERPING1 mRNA. It is a 'silent' change, meaning that it does not change the encoded amino acid sequence of the SERPING1 protein. It affects a nucleotide within the consensus splice site. This variant is present in population databases (rs754842752, gnomAD 0.002%). This variant has not been reported in the literature in individuals affected with SERPING1-related conditions. ClinVar contains an entry for this variant (Variation ID: 1388866). Algorithms developed to predict the effect of sequence changes on RNA splicing suggest that this variant is not likely to affect RNA splicing. In summary, the available evidence is currently insufficient to determine the role of this variant in disease. Therefore, it has been classified as a Variant of Uncertain Significance.

NM_000062.3(SERPING1):c.549C>T (p.Leu183=)

Gene: SERPING1 (serpin family G member 1; plus strand). Cytogenetic location: 11q12.1.
Variant type: single nucleotide variant.
Coding change: c.549C>T on transcript NM_000062.3 (MANE Select); coding-DNA position 549, C replaced by T.
Protein change: p.Leu183=; no amino-acid change (leucine 183 retained).
Molecular consequence: synonymous variant.
Genome position (GRCh38, 1-based): chr11:57,600,376, C>T. VCF-style: chr11-57600376-C-T. GRCh37 (hg19) VCF-style: chr11-57367849-C-T.
Other names: c.549C>T, p.Leu183= (NM_001032295.2).
Identifiers: ClinVar variation 1388866 (VCV001388866.6), dbSNP rs754842752, ClinGen allele CA6008052.
Genomic context (GRCh38, chr11:57,600,376, plus strand): 5'-GGAGACCAACATGGCCTTTTCCCCATTCAGCATCGCCAGCCTCCTTACCCAGGTCCTGCT[C>T]GGTAAGACCCTGCTTGAATTCTCTCCAGGTCATTTGTTGGACACTCCCATAAGAGTCACC-3'
Protein context (NP_000053.2, residues 173-193): SIASLLTQVL[Leu183=]GAGENTKTNL